The following is an entry in ClinVar:

ClinVar aggregate classification (germline): Conflicting classifications of pathogenicity. Review status: criteria provided, conflicting classifications (1 of 4 stars). 6 submissions from 6 submitters: Uncertain significance (5); Likely benign (1). Last evaluated 2026-02-23.

Conditions:
Hereditary cancer-predisposing syndrome. Also called: Tumor predisposition; Neoplastic Syndromes, Hereditary; Hereditary Cancer Syndrome; Hereditary neoplastic syndrome. Identifiers: Orphanet 140162, MedGen C0027672, MeSH D009386, MONDO:0015356.
Breast-ovarian cancer, familial, susceptibility to, 4. Identifiers: Orphanet 145, MedGen C3280345, MONDO:0013669, OMIM 614291.

Allele frequency attached by ClinVar (database versions not stated): gnomAD exomes below 0.00001 and 0.00001; ExAC 0.00001; TOPMed 0.00002; gnomAD 0.00003 and 0.00004; ESP Exome Variant Server 0.00008.
gnomAD v4.1: 8 of 1,613,108 alleles (0.0005%); highest among the groups gnomAD compares: African/African-American, 0.0093%; no homozygotes.

Submissions (6):

Women's Health and Genetics/Laboratory Corporation of America, LabCorp
Classification: Uncertain significance. Last evaluated: 2026-02-23. Review status: criteria provided, single submitter. Criteria: LabCorp Variant Classification Summary - May 2015. Collection method: clinical testing. Allele origin: germline.
Comment: Variant summary: RAD51D c.509T>C (p.Val170Ala) results in a non-conservative amino acid change in the encoded protein sequence. Algorithms developed to predict the effect of missense changes on protein structure and function are either unavailable or do not agree on the potential impact of this missense change. The variant allele was found at a frequency of 1.2e-05 in 249164 control chromosomes. The available data on variant occurrences in the general population are insufficient to allow any conclusion about variant significance. c.509T>C has been observed in at least one individual affected with breast cancer without evidence for causality (e.g. Ding_2018). These report(s) do not provide unequivocal conclusions about association of the variant with Hereditary Breast And Ovarian Cancer Syndrome. To our knowledge, no experimental evidence demonstrating an impact on protein function has been reported. The following publication has been ascertained in the context of this evaluation (PMID: 28864920). ClinVar contains an entry for this variant (Variation ID: 231261). Based on the evidence outlined above, the variant was classified as uncertain significance.

Labcorp Genetics (formerly Invitae), Labcorp
Classification: Uncertain significance for Breast-ovarian cancer, familial, susceptibility to, 4. Last evaluated: 2025-08-07. Review status: criteria provided, single submitter. Criteria: Invitae Variant Classification Sherloc (09022015). Collection method: clinical testing. Allele origin: germline.
Comment: This sequence change replaces valine, which is neutral and non-polar, with alanine, which is neutral and non-polar, at codon 170 of the RAD51D protein (p.Val170Ala). This variant is present in population databases (rs370679685, gnomAD 0.02%). This variant has not been reported in the literature in individuals affected with RAD51D-related conditions. ClinVar contains an entry for this variant (Variation ID: 231261). Invitae Evidence Modeling of protein sequence and biophysical properties (such as structural, functional, and spatial information, amino acid conservation, physicochemical variation, residue mobility, and thermodynamic stability) indicates that this missense variant is not expected to disrupt RAD51D protein function with a negative predictive value of 80%. In summary, the available evidence is currently insufficient to determine the role of this variant in disease. Therefore, it has been classified as a Variant of Uncertain Significance.

Quest Diagnostics Nichols Institute San Juan Capistrano
Classification: Uncertain significance. Last evaluated: 2024-12-23. Review status: criteria provided, single submitter. Criteria: Quest Diagnostics criteria. Collection method: clinical testing. Allele origin: unknown.
Comment: The RAD51D c.509T>C (p.Val170Ala) variant has been reported in the published literature in individuals with breast cancer (PMID: 28864920 (2018)). The frequency of this variant in the general population (Genome Aggregation Database) is uninformative in the assessment of its pathogenicity. Analysis of this variant using bioinformatics tools for the prediction of the effect of amino acid changes on protein structure and function yielded predictions that this variant is benign. Based on the available information, we are unable to determine the clinical significance of this variant.

Ambry Genetics
Classification: Likely benign for Hereditary cancer-predisposing syndrome. Last evaluated: 2024-06-10. Review status: criteria provided, single submitter. Criteria: Ambry Variant Classification Scheme 2023. Collection method: clinical testing. Allele origin: germline.

GeneDx
Classification: Uncertain significance. Last evaluated: 2024-03-28. Review status: criteria provided, single submitter. Criteria: GeneDx Variant Classification Process June 2021. Collection method: clinical testing. Allele origin: germline. Affected: yes.
Comment: Not observed at significant frequency in large population cohorts (gnomAD); In silico analysis supports that this missense variant does not alter protein structure/function; Observed in individual(s) with breast cancer (PMID: 28864920); This variant is associated with the following publications: (PMID: 21111057, 14704354, 28864920)

Color Diagnostics, LLC DBA Color Health
Classification: Uncertain significance for Hereditary cancer-predisposing syndrome. Last evaluated: 2022-05-23. Review status: criteria provided, single submitter. Criteria: ACMG Guidelines, 2015. Collection method: clinical testing. Allele origin: germline.
Comment: This missense variant replaces valine with alanine at codon 170 of the RAD51D protein. Computational prediction suggests that this variant may not impact protein structure and function (internally defined REVEL score threshold <= 0.5, PMID: 27666373). To our knowledge, functional studies have not been reported for this variant. This variant has not been reported in individuals affected with hereditary cancer in the literature. This variant has been identified in 4/280568 chromosomes in the general population by the Genome Aggregation Database (gnomAD). The available evidence is insufficient to determine the role of this variant in disease conclusively. Therefore, this variant is classified as a Variant of Uncertain Significance.

Literature cited by the submitters: PubMed 28864920 (cited by 3 submitters).

NM_002878.4(RAD51D):c.509T>C (p.Val170Ala)

Genes: RAD51D (RAD51 paralog D; minus strand), RAD51L3-RFFL (RAD51L3-RFFL readthrough; minus strand). Cytogenetic location: 17q12.
Variant type: single nucleotide variant.
Coding change: c.509T>C on transcript NM_002878.4 (MANE Select); coding-DNA position 509, T replaced by C.
Protein change: p.Val170Ala; replaces valine 170 with alanine.
Molecular consequence: missense variant. On other transcripts: non-coding transcript variant (3).
Genome position (GRCh38, 1-based): chr17:35,106,453, A>G on the plus strand (T>C on the coding strand, the complement: RAD51D is on the minus strand). VCF-style: chr17-35106453-A-G. GRCh37 (hg19) VCF-style: chr17-33433472-A-G.
Other names: c.569T>C, p.Val190Ala (NM_001142571.2); c.173T>C, p.Val58Ala (NM_133629.3); short protein forms V170A, V58A, V190A.
Identifiers: ClinVar variation 231261 (VCV000231261.24), dbSNP rs370679685, ClinGen allele CA8499453.